The following is an entry in ClinVar:

ClinVar aggregate classification (germline): Likely benign. Review status: criteria provided, multiple submitters, no conflicts (2 of 4 stars). 3 submissions from 3 submitters: Likely benign (2). 1 of the submissions does not count toward it. Last evaluated 2025-10-03.

Conditions:
MACF1-related disorder. Also called: MACF1-related condition.

Allele frequency attached by ClinVar (database versions not stated): 1000 Genomes Project 30x 0.00031; ExAC 0.00033; ESP Exome Variant Server 0.00038; gnomAD exomes 0.00039 and 0.00065; 1000 Genomes Project 0.00040; gnomAD 0.00042 and 0.00046; TOPMed 0.00045.
gnomAD v4.1: 1,023 of 1,614,126 alleles (0.063%); highest among the groups gnomAD compares: Non-Finnish European, 0.078%; no homozygotes.

Submissions (3):

Labcorp Genetics (formerly Invitae), Labcorp
Classification: Likely benign. Last evaluated: 2025-10-03. Review status: criteria provided, single submitter. Criteria: Invitae Variant Classification Sherloc (09022015). Collection method: clinical testing. Allele origin: germline.

Blueprint Genetics
Classification: Likely benign. Last evaluated: 2024-10-15. Review status: criteria provided, single submitter. Criteria: ACMG Guidelines, 2015. Collection method: clinical testing. Allele origin: germline.

PreventionGenetics, part of Exact Sciences
Classification: Likely benign for MACF1-related condition. Last evaluated: 2020-10-27. Review status: no assertion criteria provided. Collection method: clinical testing. Allele origin: germline. Not counted in ClinVar's aggregate classification.
Comment: This variant is classified as likely benign based on ACMG/AMP sequence variant interpretation guidelines (Richards et al. 2015 PMID: 25741868, with internal and published modifications).

NM_001394062.1(MACF1):c.12621G>A (p.Lys4207=)

Gene: MACF1 (microtubule actin crosslinking factor 1; plus strand). Cytogenetic location: 1p34.3.
Variant type: single nucleotide variant.
Coding change: c.12621G>A on transcript NM_001394062.1 (MANE Select); coding-DNA position 12621, G replaced by A.
Protein change: p.Lys4207=; no amino-acid change (lysine 4207 retained).
Molecular consequence: synonymous variant.
Genome position (GRCh38, 1-based): chr1:39,361,527, G>A. VCF-style: chr1-39361527-G-A. GRCh37 (hg19) VCF-style: chr1-39827199-G-A.
Other names: c.6435G>A, p.Lys2145= (NM_012090.5).
Identifiers: ClinVar variation 715891 (VCV000715891.13), dbSNP rs146501848, ClinGen allele CA781851.